The following is an entry in ClinVar:

NM_182641.4(BPTF):c.1481A>G (p.Tyr494Cys)

Gene: BPTF (bromodomain PHD finger transcription factor; plus strand). Cytogenetic location: 17q24.2.
Variant type: single nucleotide variant.
Coding change: c.1481A>G on transcript NM_182641.4 (MANE Select); coding-DNA position 1481, A replaced by G.
Protein change: p.Tyr494Cys; replaces tyrosine 494 with cysteine.
Molecular consequence: missense variant.
Genome position (GRCh38, 1-based): chr17:67,866,508, A>G. VCF-style: chr17-67866508-A-G. GRCh37 (hg19) VCF-style: chr17-65862624-A-G.
Other names: c.1481A>G, p.Tyr494Cys (NM_004459.7); short protein forms Y494C.
Identifiers: ClinVar variation 1699680 (VCV001699680.2), dbSNP rs2145468668, ClinGen allele CA400713732.

ClinVar aggregate classification (germline): Uncertain significance (1 of 4 stars; one submission).

Submission:

GeneDx
Classification: Uncertain significance. Last evaluated: 2022-01-29. Review status: criteria provided, single submitter. Criteria: GeneDx Variant Classification Process June 2021. Collection method: clinical testing. Allele origin: germline. Affected: yes.
Comment: Not observed at significant frequency in large population cohorts (gnomAD); In silico analysis supports that this missense variant has a deleterious effect on protein structure/function; Has not been previously published as pathogenic or benign to our knowledge